The following is an entry in ClinVar:

ClinVar aggregate classification (germline): Benign. Review status: criteria provided, multiple submitters, no conflicts (2 of 4 stars). 3 submissions from 3 submitters: Benign (2). 1 of the submissions does not count toward it. Last evaluated 2026-02-01.

Conditions:
MYH7B-related disorder. Also called: MYH7B-related condition.

Allele frequency attached by ClinVar (database versions not stated): TOPMed 0.17973; ESP Exome Variant Server 0.18363; gnomAD exomes 0.19177 and 0.18848; gnomAD 0.18356 and 0.18254; 1000 Genomes Project 0.17452; 1000 Genomes Project 30x 0.17099; ExAC 0.21719.
gnomAD v4.1: 303,427 of 1,611,902 alleles (19%); highest among the groups gnomAD compares: Middle Eastern, 33%; 29,757 homozygotes.

Submissions (3):

Labcorp Genetics (formerly Invitae), Labcorp
Classification: Benign. Last evaluated: 2026-02-01. Review status: criteria provided, single submitter. Criteria: Invitae Variant Classification Sherloc (09022015). Collection method: clinical testing. Allele origin: germline.

Breakthrough Genomics
Classification: Benign. Review status: criteria provided, single submitter. Criteria: ACMG Guidelines, 2015. Collection method: not provided. Allele origin: germline. Inheritance: Unknown mechanism. Affected: yes.

PreventionGenetics, part of Exact Sciences
Classification: Benign for MYH7B-related condition. Last evaluated: 2019-10-17. Review status: no assertion criteria provided. Collection method: clinical testing. Allele origin: germline. Not counted in ClinVar's aggregate classification.
Comment: This variant is classified as benign based on ACMG/AMP sequence variant interpretation guidelines (Richards et al. 2015 PMID: 25741868, with internal and published modifications).

NM_020884.7(MYH7B):c.5535G>A (p.Lys1845=)

Gene: MYH7B (myosin heavy chain 7B; plus strand). Cytogenetic location: 20q11.22.
Variant type: single nucleotide variant.
Coding change: c.5535G>A on transcript NM_020884.7 (MANE Select); coding-DNA position 5535, G replaced by A.
Protein change: p.Lys1845=; no amino-acid change (lysine 1845 retained).
Molecular consequence: synonymous variant.
Genome position (GRCh38, 1-based): chr20:35,001,304, G>A. VCF-style: chr20-35001304-G-A. GRCh37 (hg19) VCF-style: chr20-33589107-G-A.
Other names: c.5661G>A (NM_020884.4).
Identifiers: ClinVar variation 1551763 (VCV001551763.11), dbSNP rs36003887, ClinGen allele CA9828615.